The following is an entry in ClinVar:

NM_178857.6(RP1L1):c.172T>A (p.Phe58Ile)

Gene: RP1L1 (RP1 like 1). Cytogenetic location: 8p23.1.
Variant type: single nucleotide variant.
Coding change: c.172T>A on transcript NM_178857.6 (MANE Select); coding-DNA position 172, T replaced by A.
Protein change: p.Phe58Ile; replaces phenylalanine 58 with isoleucine.
Molecular consequence: missense variant.
Genome position (GRCh38, 1-based): chr8:10,623,030, A>T on the plus strand (T>A on the coding strand, the complement: RP1L1 is on the minus strand). VCF-style: chr8-10623030-A-T. GRCh37 (hg19) VCF-style: chr8-10480540-A-T.
Other names: short protein forms F58I.
Identifiers: ClinVar variation 2833965 (VCV002833965.3), dbSNP rs771934052, ClinGen allele CA4625842.

ClinVar aggregate classification (germline): Uncertain significance (1 of 4 stars; one submission).

Allele frequency attached by ClinVar (database versions not stated): gnomAD exomes below 0.00001; ExAC 0.00001.
gnomAD v4.1: 1 of 1,614,128 alleles (0.000062%); highest among the groups gnomAD compares: Non-Finnish European, 0.000085%; no homozygotes.

Submission:

Labcorp Genetics (formerly Invitae), Labcorp
Classification: Uncertain significance. Last evaluated: 2023-09-20. Review status: criteria provided, single submitter. Criteria: Invitae Variant Classification Sherloc (09022015). Collection method: clinical testing. Allele origin: germline.
Comment: This variant is present in population databases (rs771934052, gnomAD 0.0009%). This sequence change replaces phenylalanine, which is neutral and non-polar, with isoleucine, which is neutral and non-polar, at codon 58 of the RP1L1 protein (p.Phe58Ile). This variant has not been reported in the literature in individuals affected with RP1L1-related conditions. Advanced modeling of protein sequence and biophysical properties (such as structural, functional, and spatial information, amino acid conservation, physicochemical variation, residue mobility, and thermodynamic stability) has been performed at Invitae for this missense variant, however the output from this modeling did not meet the statistical confidence thresholds required to predict the impact of this variant on RP1L1 protein function. In summary, the available evidence is currently insufficient to determine the role of this variant in disease. Therefore, it has been classified as a Variant of Uncertain Significance.